The following is an entry in ClinVar:

ClinVar aggregate classification (germline): Uncertain significance (1 of 4 stars; one submission).

Allele frequency attached by ClinVar (database versions not stated): TOPMed below 0.00001; gnomAD 0.00001.
gnomAD v4.1: 3 of 1,605,778 alleles (0.00019%); highest among the groups gnomAD compares: Admixed American, 0.0017%; no homozygotes.

Submission:

Labcorp Genetics (formerly Invitae), Labcorp
Classification: Uncertain significance. Last evaluated: 2022-04-06. Review status: criteria provided, single submitter. Criteria: Invitae Variant Classification Sherloc (09022015). Collection method: clinical testing. Allele origin: germline.
Comment: This sequence change replaces threonine, which is neutral and polar, with asparagine, which is neutral and polar, at codon 708 of the OCA2 protein (p.Thr708Asn). This variant is not present in population databases (gnomAD no frequency). This variant has not been reported in the literature in individuals affected with OCA2-related conditions. Advanced modeling of protein sequence and biophysical properties (such as structural, functional, and spatial information, amino acid conservation, physicochemical variation, residue mobility, and thermodynamic stability) performed at Invitae indicates that this missense variant is expected to disrupt OCA2 protein function. In summary, the available evidence is currently insufficient to determine the role of this variant in disease. Therefore, it has been classified as a Variant of Uncertain Significance.

NM_000275.3(OCA2):c.2123C>A (p.Thr708Asn)

Gene: OCA2 (OCA2 melanosomal transmembrane protein; minus strand). Cytogenetic location: 15q13.1.
Variant type: single nucleotide variant.
Coding change: c.2123C>A on transcript NM_000275.3 (MANE Select); coding-DNA position 2123, C replaced by A.
Protein change: p.Thr708Asn; replaces threonine 708 with asparagine.
Molecular consequence: missense variant.
Genome position (GRCh38, 1-based): chr15:27,871,879, G>T on the plus strand (C>A on the coding strand, the complement: OCA2 is on the minus strand). VCF-style: chr15-27871879-G-T. GRCh37 (hg19) VCF-style: chr15-28117025-G-T.
Other names: c.2051C>A, p.Thr684Asn (NM_001300984.2); short protein forms T684N, T708N.
Identifiers: ClinVar variation 1522475 (VCV001522475.3), dbSNP rs1335779460, ClinGen allele CA391363581.